The following is an entry in ClinVar:

ClinVar aggregate classification (germline): Likely benign (1 of 4 stars; one submission).

Allele frequency attached by ClinVar (database versions not stated): gnomAD exomes 0.00001.

Submission:

CeGaT Center for Human Genetics Tuebingen
Classification: Likely benign. Last evaluated: 2022-07-01. Review status: criteria provided, single submitter. Criteria: CeGaT Center For Human Genetics Tuebingen Variant Classification Criteria Version 2. Collection method: clinical testing. Allele origin: germline. Affected: yes. Observed: 1 variant allele.
Comment: FSCB: PM2:Supporting, BP4, BP7, BS2

NM_032135.4(FSCB):c.1905G>A (p.Gln635=)

Gene: FSCB (fibrous sheath CABYR binding protein; minus strand). Cytogenetic location: 14q21.2.
Variant type: single nucleotide variant.
Coding change: c.1905G>A on transcript NM_032135.4 (MANE Select); coding-DNA position 1905, G replaced by A.
Protein change: p.Gln635=; no amino-acid change (glutamine 635 retained).
Molecular consequence: synonymous variant.
Genome position (GRCh38, 1-based): chr14:44,505,083, C>T on the plus strand (G>A on the coding strand, the complement: FSCB is on the minus strand). VCF-style: chr14-44505083-C-T. GRCh37 (hg19) VCF-style: chr14-44974286-C-T.
Identifiers: ClinVar variation 2644196 (VCV002644196.24), dbSNP rs2542203701, ClinGen allele CA486340867.